The following is an entry in ClinVar:

ClinVar aggregate classification (germline): Uncertain significance (1 of 4 stars; one submission).

Conditions:
Candidiasis, familial, 9 (CANDF9). Identifiers: Orphanet 1334, MedGen C4225324, MONDO:0014642, OMIM 616445.

Allele frequency attached by ClinVar (database versions not stated): TOPMed below 0.00001; gnomAD 0.00001.
gnomAD v4.1: 1 of 1,604,486 alleles (0.000062%); highest among the groups gnomAD compares: African/African-American, 0.0013%; no homozygotes.

Submission:

Labcorp Genetics (formerly Invitae), Labcorp
Classification: Uncertain significance for Candidiasis, familial, 9. Last evaluated: 2022-05-15. Review status: criteria provided, single submitter. Criteria: Invitae Variant Classification Sherloc (09022015). Collection method: clinical testing. Allele origin: germline.
Comment: In summary, the available evidence is currently insufficient to determine the role of this variant in disease. Therefore, it has been classified as a Variant of Uncertain Significance. Algorithms developed to predict the effect of missense changes on protein structure and function are either unavailable or do not agree on the potential impact of this missense change (SIFT: "Deleterious"; PolyPhen-2: "Probably Damaging"; Align-GVGD: "Class C0"). This variant has not been reported in the literature in individuals affected with IL17RC-related conditions. This variant is not present in population databases (gnomAD no frequency). This sequence change replaces cysteine, which is neutral and slightly polar, with serine, which is neutral and polar, at codon 686 of the IL17RC protein (p.Cys686Ser).

NM_153460.4(IL17RC):c.1844G>C (p.Cys615Ser)

Gene: IL17RC (interleukin 17 receptor C; plus strand). Cytogenetic location: 3p25.3.
Variant type: single nucleotide variant.
Coding change: c.1844G>C on transcript NM_153460.4 (MANE Select); coding-DNA position 1844, G replaced by C.
Protein change: p.Cys615Ser; replaces cysteine 615 with serine.
Molecular consequence: missense variant. On other transcripts: non-coding transcript variant (1).
Genome position (GRCh38, 1-based): chr3:9,933,274, G>C. VCF-style: chr3-9933274-G-C. GRCh37 (hg19) VCF-style: chr3-9974958-G-C.
Other names: c.1760G>C, p.Cys587Ser (NM_001367280.1); c.1709G>C, p.Cys570Ser (NM_001410711.1); c.1799G>C, p.Cys600Ser (NM_032732.6); c.2057G>C, p.Cys686Ser (NM_153461.4); c.1805G>C, p.Cys602Ser (NM_001203263.2); c.1754G>C, p.Cys585Ser (NM_001203264.2); c.1748G>C, p.Cys583Ser (NM_001203265.2); c.1766G>C, p.Cys589Ser (NM_001367278.1); and 1 more; short protein forms C570S, C585S, C602S, C615S, C686S, C562S, C583S, C587S.
Identifiers: ClinVar variation 1994952 (VCV001994952.4), dbSNP rs2084966900, ClinGen allele CA351707748.
Genomic context (GRCh38, chr3:9,933,274, plus strand): 5'-ATGGGGTGTCCGGGCCCGGGGCGCACGGCCCGCACGACGCCTTCCGCGCCTCGCTCAGCT[G>C]CGTGCTGCCCGACTTCTTGCAGGGCCGGGCGCCCGGCAGCTACGTGGGGGCCTGCTTCGA-3'
Protein context (NP_703190.2, residues 605-625): PHDAFRASLS[Cys615Ser]VLPDFLQGRA